The following is an entry in ClinVar:

ClinVar aggregate classification (germline): Likely benign. Review status: criteria provided, single submitter (1 of 4 stars). 2 submissions from 2 submitters: Likely benign (1). 1 of the submissions does not count toward it. Last evaluated 2023-03-01.

Conditions:
PERP-related disorder. Also called: PERP-related condition.

Allele frequency attached by ClinVar (database versions not stated): 1000 Genomes Project 0.00080; 1000 Genomes Project 30x 0.00094; TOPMed 0.00210; gnomAD 0.00218; ESP Exome Variant Server 0.00224; ExAC 0.00266; gnomAD exomes 0.00323.
gnomAD v4.1: 5,013 of 1,611,350 alleles (0.31%); highest among the groups gnomAD compares: Non-Finnish European, 0.38%; 12 homozygotes.

Submissions (2):

CeGaT Center for Human Genetics Tuebingen
Classification: Likely benign. Last evaluated: 2023-03-01. Review status: criteria provided, single submitter. Criteria: CeGaT Center For Human Genetics Tuebingen Variant Classification Criteria Version 2. Collection method: clinical testing. Allele origin: germline. Affected: yes. Observed: 3 variant alleles.
Comment: PERP: BS2

PreventionGenetics, part of Exact Sciences
Classification: Likely benign for PERP-related condition. Last evaluated: 2022-01-31. Review status: no assertion criteria provided. Collection method: clinical testing. Allele origin: germline. Not counted in ClinVar's aggregate classification.
Comment: This variant is classified as likely benign based on ACMG/AMP sequence variant interpretation guidelines (Richards et al. 2015 PMID: 25741868, with internal and published modifications).

NM_022121.5(PERP):c.175G>A (p.Gly59Arg)

Gene: PERP (p53 apoptosis effector related to PMP22; minus strand). Cytogenetic location: 6q23.3.
Variant type: single nucleotide variant.
Coding change: c.175G>A on transcript NM_022121.5 (MANE Select); coding-DNA position 175, G replaced by A.
Protein change: p.Gly59Arg; replaces glycine 59 with arginine.
Molecular consequence: missense variant.
Genome position (GRCh38, 1-based): chr6:138,107,166, C>T on the plus strand (G>A on the coding strand, the complement: PERP is on the minus strand). VCF-style: chr6-138107166-C-T. GRCh37 (hg19) VCF-style: chr6-138428303-C-T.
Other names: c.175G>A (NM_022121.4); short protein forms G59R.
Identifiers: ClinVar variation 2656936 (VCV002656936.25), dbSNP rs146568280, ClinGen allele CA4019984.